The following is an entry in ClinVar:

NM_001134831.2(AHI1):c.1976A>T (p.Asp659Val)

Gene: AHI1 (Abelson helper integration site 1; minus strand). Cytogenetic location: 6q23.3.
Variant type: single nucleotide variant.
Coding change: c.1976A>T on transcript NM_001134831.2 (MANE Select); coding-DNA position 1976, A replaced by T.
Protein change: p.Asp659Val; replaces aspartic acid 659 with valine.
Molecular consequence: missense variant.
Genome position (GRCh38, 1-based): chr6:135,438,435, T>A on the plus strand (A>T on the coding strand, the complement: AHI1 is on the minus strand). VCF-style: chr6-135438435-T-A. GRCh37 (hg19) VCF-style: chr6-135759573-T-A.
Other names: c.1976A>T, p.Asp659Val (NM_001134830.2, NM_001134832.2, NM_001350503.2 and 2 more transcripts); short protein forms D659V.
Identifiers: ClinVar variation 217544 (VCV000217544.7), dbSNP rs541041911, ClinGen allele CA277783.
Genomic context (GRCh38, chr6:135,438,435, plus strand): 5'-CTGGCAGTGCCATCAGATGATGAAGTAAGGATGTAGTGATCATCTTTTGACCAGGAAAGA[T>A]CATAAATGATATTGAGGTGGCCACACAATTCTCTCATGAAACGTCCAGAAGGAATTTCAT-3'
Protein context (NP_001128303.1, residues 649-669): ELCGHLNIIY[Asp659Val]LSWSKDDHYI

ClinVar aggregate classification (germline): Pathogenic. Review status: criteria provided, multiple submitters, no conflicts (2 of 4 stars). 2 submissions from 2 submitters: Pathogenic (2). Last evaluated 2021-12-17.

Conditions:
Joubert syndrome. Also called: CEREBELLOPARENCHYMAL DISORDER IV; JOUBERT-BOLTSHAUSER SYNDROME; Familial aplasia of the vermis. Identifiers: Orphanet 475, MedGen C5979921, MONDO:0018772.
Joubert syndrome 3 (JBTS3). Also called: AHI1-related Ciliopathy. Identifiers: Orphanet 220493, MedGen C1837713, MONDO:0012078, OMIM 608629.

Allele frequency attached by ClinVar (database versions not stated): TOPMed below 0.00001; gnomAD 0.00001.
gnomAD v4.1: 1 of 1,562,846 alleles (0.000064%); highest among the groups gnomAD compares: Non-Finnish European, 0.000087%; no homozygotes.

Submissions (2):

Labcorp Genetics (formerly Invitae), Labcorp
Classification: Pathogenic for Joubert syndrome. Last evaluated: 2021-12-17. Review status: criteria provided, single submitter. Criteria: Invitae Variant Classification Sherloc (09022015). Collection method: clinical testing. Allele origin: germline.
Comment: ClinVar contains an entry for this variant (Variation ID: 217544). For these reasons, this variant has been classified as Pathogenic. Advanced modeling of protein sequence and biophysical properties (such as structural, functional, and spatial information, amino acid conservation, physicochemical variation, residue mobility, and thermodynamic stability) performed at Invitae indicates that this missense variant is expected to disrupt AHI1 protein function. This missense change has been observed in individual(s) with clinical features of Joubert syndrome (PMID: 26092869; Invitae). In at least one individual the data is consistent with being in trans (on the opposite chromosome) from a pathogenic variant. This variant is not present in population databases (gnomAD no frequency). This sequence change replaces aspartic acid, which is acidic and polar, with valine, which is neutral and non-polar, at codon 659 of the AHI1 protein (p.Asp659Val).

UW Hindbrain Malformation Research Program, University of Washington
Classification: Pathogenic for Joubert syndrome 3. Last evaluated: 2015-02-23. Review status: criteria provided, single submitter. Criteria: Bachmann-Gagescu et al. (J Med Genet. 2015). Collection method: research. Allele origin: unknown. Affected: yes.

Literature cited by the submitters: PubMed 26092869 (cited by Labcorp Genetics (formerly Invitae), Labcorp).